The following is an entry in ClinVar:

NM_001082538.3(TCTN1):c.324C>G (p.Cys108Trp)

Gene: TCTN1 (tectonic family member 1; plus strand). Cytogenetic location: 12q24.11.
Variant type: single nucleotide variant.
Coding change: c.324C>G on transcript NM_001082538.3 (MANE Select); coding-DNA position 324, C replaced by G.
Protein change: p.Cys108Trp; replaces cysteine 108 with tryptophan.
Molecular consequence: missense variant. On other transcripts: 5 prime UTR variant (1), non-coding transcript variant (1).
Genome position (GRCh38, 1-based): chr12:110,619,939, C>G. VCF-style: chr12-110619939-C-G. GRCh37 (hg19) VCF-style: chr12-111057744-C-G.
Other names: c.324C>G, p.Cys108Trp (NM_001082537.3, NM_001319680.2, NM_024549.6); c.156C>G, p.Cys52Trp (NM_001173975.3, NM_001319682.3); c.144C>G, p.Cys48Trp (NM_001173976.2); c.-384C>G (NM_001319681.2); short protein forms C108W, C48W, C52W.
Identifiers: ClinVar variation 3758598 (VCV003758598.2).

ClinVar aggregate classification (germline): Uncertain significance (1 of 4 stars; one submission).

Conditions:
Joubert syndrome. Also called: CEREBELLOPARENCHYMAL DISORDER IV; JOUBERT-BOLTSHAUSER SYNDROME; Familial aplasia of the vermis. Identifiers: Orphanet 475, MedGen C5979921, MONDO:0018772.
Meckel-Gruber syndrome. Also called: DYSENCEPHALIA SPLANCHNOCYSTICA; GRUBER SYNDROME; Dysencephalia splachnocystica. Identifiers: Orphanet 564, MedGen C0265215, MONDO:0018921.

Submission:

Labcorp Genetics (formerly Invitae), Labcorp
Classification: Uncertain significance for Joubert syndrome; Meckel-Gruber syndrome. Last evaluated: 2025-01-10. Review status: criteria provided, single submitter. Criteria: Invitae Variant Classification Sherloc (09022015). Collection method: clinical testing. Allele origin: germline.
Comment: This sequence change replaces cysteine, which is neutral and slightly polar, with tryptophan, which is neutral and slightly polar, at codon 108 of the TCTN1 protein (p.Cys108Trp). This variant is not present in population databases (gnomAD no frequency). This variant has not been reported in the literature in individuals affected with TCTN1-related conditions. Invitae Evidence Modeling of protein sequence and biophysical properties (such as structural, functional, and spatial information, amino acid conservation, physicochemical variation, residue mobility, and thermodynamic stability) indicates that this missense variant is expected to disrupt TCTN1 protein function with a positive predictive value of 80%. In summary, the available evidence is currently insufficient to determine the role of this variant in disease. Therefore, it has been classified as a Variant of Uncertain Significance.